The following is an entry in ClinVar:

NM_000038.6(APC):c.7888G>A (p.Val2630Ile)

Gene: APC (APC regulator of Wnt signaling pathway; plus strand). Cytogenetic location: 5q22.2.
Variant type: single nucleotide variant.
Coding change: c.7888G>A on transcript NM_000038.6 (MANE Select); coding-DNA position 7888, G replaced by A.
Protein change: p.Val2630Ile; replaces valine 2630 with isoleucine.
Molecular consequence: missense variant.
Genome position (GRCh38, 1-based): chr5:112,843,482, G>A. VCF-style: chr5-112843482-G-A. GRCh37 (hg19) VCF-style: chr5-112179179-G-A.
Other names: p.V2630I:GTT>ATT; c.7888G>A, p.Val2630Ile (NM_001127510.3, NM_001354895.2); c.7834G>A, p.Val2612Ile (NM_001127511.3); c.7942G>A, p.Val2648Ile (NM_001354896.2); c.7918G>A, p.Val2640Ile (NM_001354897.2); c.7813G>A, p.Val2605Ile (NM_001354898.2); c.7804G>A, p.Val2602Ile (NM_001354899.2); c.7765G>A, p.Val2589Ile (NM_001354900.2); and 6 more; short protein forms V2630I, V2612I, V2347I, V2539I, V2529I, V2470I, V2504I, V2605I.
Identifiers: ClinVar variation 41517 (VCV000041517.58), dbSNP rs199688874, ClinGen allele CA014160.

ClinVar aggregate classification (germline): Conflicting classifications of pathogenicity. Review status: criteria provided, conflicting classifications (1 of 4 stars). 17 submissions from 17 submitters: Uncertain significance (1); Likely benign (12). 4 of the submissions do not count toward it. Last evaluated 2026-02-03.

Conditions:
APC-related disorder. Also called: APC-related condition.
Hereditary cancer-predisposing syndrome. Also called: Tumor predisposition; Neoplastic Syndromes, Hereditary; Hereditary Cancer Syndrome; Hereditary neoplastic syndrome. Identifiers: Orphanet 140162, MedGen C0027672, MeSH D009386, MONDO:0015356.
Familial adenomatous polyposis 1 (FAP1). Also called: FAMILIAL ADENOMATOUS POLYPOSIS 1, ATTENUATED; POLYPOSIS, ADENOMATOUS INTESTINAL. Identifiers: MedGen C2713442, MONDO:0021056, OMIM 175100. Disease mechanism: loss of function.

Allele frequency attached by ClinVar (database versions not stated): gnomAD 0.00005 and 0.00006; ESP Exome Variant Server 0.00008; TOPMed 0.00008; gnomAD exomes 0.00010 and 0.00011; ExAC 0.00012.
gnomAD v4.1: 171 of 1,613,742 alleles (0.011%); highest among the groups gnomAD compares: Non-Finnish European, 0.013%; no homozygotes.

Submissions (17):

Labcorp Genetics (formerly Invitae), Labcorp
Classification: Likely benign for Familial adenomatous polyposis 1. Last evaluated: 2026-02-03. Review status: criteria provided, single submitter. Criteria: Invitae Variant Classification Sherloc (09022015). Collection method: clinical testing. Allele origin: germline.

PreventionGenetics, part of Exact Sciences
Classification: Likely benign for APC-related condition. Last evaluated: 2025-08-29. Review status: criteria provided, single submitter. Criteria: ACMG Guidelines, 2015. Collection method: clinical testing. Allele origin: germline.
Comment: This variant is classified as likely benign based on ACMG/AMP sequence variant interpretation guidelines (Richards et al. 2015 PMID: 25741868, with internal and published modifications).

Laboratory of Genetics, Children's Clinical University Hospital Latvia
Classification: Likely benign. Last evaluated: 2025-02-16. Review status: criteria provided, single submitter. Criteria: ACMG Guidelines, 2015. Collection method: clinical testing. Allele origin: germline. Affected: yes.

Myriad Genetics, Inc.
Classification: Likely benign for Familial adenomatous polyposis 1. Last evaluated: 2025-02-04. Review status: criteria provided, single submitter. Criteria: Myriad Autosomal Dominant, Autosomal Recessive and X-Linked Classification Criteria (2023). Collection method: clinical testing. Allele origin: unknown.
Comment: This variant is considered likely benign. This variant has been observed at a population frequency that is significantly greater than expected given the associated disease prevalence and penetrance.

Blueprint Genetics
Classification: Likely benign. Last evaluated: 2024-11-01. Review status: criteria provided, single submitter. Criteria: ACMG Guidelines, 2015. Collection method: clinical testing. Allele origin: germline.

Department of Pathology and Laboratory Medicine, Sinai Health System
Classification: Likely benign for Familial adenomatous polyposis 1. Last evaluated: 2024-06-18. Review status: criteria provided, single submitter. Criteria: ACMG Guidelines, 2015. Collection method: clinical testing. Allele origin: germline. Affected: yes.

CeGaT Center for Human Genetics Tuebingen
Classification: Likely benign. Last evaluated: 2023-06-01. Review status: criteria provided, single submitter. Criteria: CeGaT Center For Human Genetics Tuebingen Variant Classification Criteria Version 2. Collection method: clinical testing. Allele origin: germline. Affected: yes. Observed: 2 variant alleles.
Comment: APC: BP4

Women's Health and Genetics/Laboratory Corporation of America, LabCorp
Classification: Likely benign. Last evaluated: 2022-08-18. Review status: criteria provided, single submitter. Criteria: LabCorp Variant Classification Summary - May 2015. Collection method: clinical testing. Allele origin: germline.
Comment: Variant summary: APC c.7888G>A (p.Val2630Ile) results in a conservative amino acid change in the encoded protein sequence. Four of four in-silico tools predict a benign effect of the variant on protein function. The variant allele was found at a frequency of 9.6e-05 in 250304 control chromosomes, predominantly at a frequency of 0.00019 within the Non-Finnish European subpopulation in the gnomAD database. The observed variant frequency within Non-Finnish European control individuals in the gnomAD database is approximately 3 fold of the estimated maximal expected allele frequency for a pathogenic variant in APC causing Familial Adenomatous Polyposis phenotype (7.1e-05), strongly suggesting that the variant is a benign polymorphism found primarily in populations of Non-Finnish European origin. c.7888G>A has been reported in the literature in a validation study (Rey_2017). This report does not provide unequivocal conclusions about association of the variant with Familial Adenomatous Polyposis. To our knowledge, no experimental evidence demonstrating an impact on protein function has been reported. Seven ClinVar submitters (evaluation after 2014) cite the variant as likely benign (n=5) and as uncertain significance (n=2). Based on the evidence outlined above, the variant was classified as likely benign.

GeneDx
Classification: Likely benign. Last evaluated: 2021-04-26. Review status: criteria provided, single submitter. Criteria: GeneDx Variant Classification Process June 2021. Collection method: clinical testing. Allele origin: germline. Affected: yes.
Comment: This variant is associated with the following publications: (PMID: 28502729, 22703879)

Sema4
Classification: Likely benign for Hereditary cancer-predisposing syndrome. Last evaluated: 2021-04-19. Review status: criteria provided, single submitter. Criteria: Sema4 Curation Guidelines. Collection method: curation. Allele origin: germline.

Mendelics
Classification: Uncertain significance for Familial adenomatous polyposis 1. Last evaluated: 2018-07-02. Review status: criteria provided, single submitter. Criteria: Mendelics Assertion Criteria 2017. Collection method: clinical testing. Allele origin: unknown.

Ambry Genetics
Classification: Likely benign for Hereditary cancer-predisposing syndrome. Last evaluated: 2018-05-23. Review status: criteria provided, single submitter. Criteria: Ambry Variant Classification Scheme 2023. Collection method: clinical testing. Allele origin: germline.

Color Diagnostics, LLC DBA Color Health
Classification: Likely benign for Hereditary cancer-predisposing syndrome. Last evaluated: 2018-04-30. Review status: criteria provided, single submitter. Criteria: ACMG Guidelines, 2015. Collection method: clinical testing. Allele origin: germline.

Counsyl
Classification: Uncertain significance for Familial adenomatous polyposis 1. Last evaluated: 2016-01-27. Review status: no assertion criteria provided. Collection method: clinical testing. Allele origin: unknown. Not counted in ClinVar's aggregate classification.

Biesecker Lab/Clinical Genomics Section, National Institutes of Health
Classification: Uncertain significance. Last evaluated: 2012-07-13. Review status: no assertion criteria provided. Collection method: research. Allele origin: germline. Affected: no. Observed: 1 variant allele. Study: ClinSeq. Not counted in ClinVar's aggregate classification.
ClinVar note: Converted during submission from variant of unknown significance to Uncertain significance.

Clinical Genetics DNA and cytogenetics Diagnostics Lab, Erasmus MC, Erasmus Medical Center
Classification: Likely benign. Review status: no assertion criteria provided. Collection method: clinical testing. Allele origin: germline. Affected: yes. Study: VKGL Data-share Consensus. Not counted in ClinVar's aggregate classification.

Joint Genome Diagnostic Labs from Nijmegen and Maastricht, Radboudumc and MUMC+
Classification: Likely benign. Review status: no assertion criteria provided. Collection method: clinical testing. Allele origin: germline. Affected: yes. Study: VKGL Data-share Consensus. Not counted in ClinVar's aggregate classification.

Literature cited by the submitters: PubMed 28502729 (cited by Department of Pathology and Laboratory Medicine, Sinai Health System and Women's Health and Genetics/Laboratory Corporation of America, LabCorp).